The following is an entry in ClinVar:

NM_018191.4(RCBTB1):c.1001C>G (p.Ala334Gly)

Gene: RCBTB1 (RCC1 and BTB domain containing protein 1; minus strand). Cytogenetic location: 13q14.2.
Variant type: single nucleotide variant.
Coding change: c.1001C>G on transcript NM_018191.4 (MANE Select); coding-DNA position 1001, C replaced by G.
Protein change: p.Ala334Gly; replaces alanine 334 with glycine.
Molecular consequence: missense variant. On other transcripts: non-coding transcript variant (2).
Genome position (GRCh38, 1-based): chr13:49,549,502, G>C on the plus strand (C>G on the coding strand, the complement: RCBTB1 is on the minus strand). VCF-style: chr13-49549502-G-C. GRCh37 (hg19) VCF-style: chr13-50123638-G-C.
Other names: c.1001C>G, p.Ala334Gly (NM_001352500.2, NM_001352501.2, NM_001352502.2 and 3 more transcripts); c.422C>G, p.Ala141Gly (NM_001352506.2); short protein forms A334G, A141G.
Identifiers: ClinVar variation 943291 (VCV000943291.7), dbSNP rs142373322, ClinGen allele CA6982719.

ClinVar aggregate classification (germline): Uncertain significance. Review status: criteria provided, multiple submitters, no conflicts (2 of 4 stars). 3 submissions from 3 submitters: Uncertain significance (3). Last evaluated 2025-05-29.

Allele frequency attached by ClinVar (database versions not stated): ExAC 0.00003; TOPMed 0.00003; gnomAD exomes 0.00004 and 0.00006; gnomAD 0.00005 and 0.00006; ESP Exome Variant Server 0.00015.
gnomAD v4.1: 98 of 1,613,504 alleles (0.0061%); highest among the groups gnomAD compares: Non-Finnish European, 0.0081%; no homozygotes.

Submissions (3):

Ambry Genetics
Classification: Uncertain significance. Last evaluated: 2025-05-29. Review status: criteria provided, single submitter. Criteria: Ambry Variant Classification Scheme 2023. Collection method: clinical testing. Allele origin: germline.

Blueprint Genetics
Classification: Uncertain significance. Last evaluated: 2022-11-24. Review status: criteria provided, single submitter. Criteria: ACMG Guidelines, 2015. Collection method: clinical testing. Allele origin: germline.

Labcorp Genetics (formerly Invitae), Labcorp
Classification: Uncertain significance. Last evaluated: 2022-07-01. Review status: criteria provided, single submitter. Criteria: Invitae Variant Classification Sherloc (09022015). Collection method: clinical testing. Allele origin: germline.
Comment: This sequence change replaces alanine, which is neutral and non-polar, with glycine, which is neutral and non-polar, at codon 334 of the RCBTB1 protein (p.Ala334Gly). This variant is present in population databases (rs142373322, gnomAD 0.009%). This variant has not been reported in the literature in individuals affected with RCBTB1-related conditions. ClinVar contains an entry for this variant (Variation ID: 943291). Algorithms developed to predict the effect of missense changes on protein structure and function (SIFT, PolyPhen-2, Align-GVGD) all suggest that this variant is likely to be disruptive. In summary, the available evidence is currently insufficient to determine the role of this variant in disease. Therefore, it has been classified as a Variant of Uncertain Significance.